The following is an entry in ClinVar:

ClinVar aggregate classification (germline): Conflicting classifications of pathogenicity. Review status: criteria provided, conflicting classifications (1 of 4 stars). 7 submissions from 7 submitters: Uncertain significance (3); Benign (2); Likely benign (2). Last evaluated 2025-10-02.

Conditions:
Tuberous sclerosis 2 (TSC2). Identifiers: Orphanet 805, MedGen C1860707, MONDO:0013199, OMIM 613254.
Lymphangiomyomatosis (LAM). Also called: Lymphangioleiomyomatosis, somatic; Lymphangioleiomyomatosis. Identifiers: Orphanet 538, MedGen C0751674, MONDO:0011705, OMIM 606690.
Isolated focal cortical dysplasia type II (FCORD2). Also called: CORTICAL DYSPLASIA OF TAYLOR; Focal cortical dysplasia type II. Identifiers: Orphanet 268994, MedGen C1846385, MONDO:0011818, OMIM 607341, HP:0032051.
Hereditary cancer-predisposing syndrome. Also called: Tumor predisposition; Neoplastic Syndromes, Hereditary; Hereditary Cancer Syndrome; Hereditary neoplastic syndrome. Identifiers: Orphanet 140162, MedGen C0027672, MeSH D009386, MONDO:0015356.
Tuberous sclerosis syndrome (TSC). Also called: Tuberous Sclerosis Complex; Tuberous sclerosis. Identifiers: Orphanet 805, MedGen C0041341, MONDO:0001734.

Allele frequency attached by ClinVar (database versions not stated): gnomAD 0.00001 and 0.00002; gnomAD exomes 0.00002; ExAC 0.00004; 1000 Genomes Project 30x 0.00031; 1000 Genomes Project 0.00040.
gnomAD v4.1: 3 of 1,609,524 alleles (0.00019%); highest among the groups gnomAD compares: East Asian, 0.0067%; no homozygotes.

Submissions (7):

Labcorp Genetics (formerly Invitae), Labcorp
Classification: Benign for Tuberous sclerosis 2. Last evaluated: 2025-10-02. Review status: criteria provided, single submitter. Criteria: Invitae Variant Classification Sherloc (09022015). Collection method: clinical testing. Allele origin: germline.

Ambry Genetics
Classification: Benign for Hereditary cancer-predisposing syndrome. Last evaluated: 2025-02-10. Review status: criteria provided, single submitter. Criteria: Ambry Variant Classification Scheme 2023. Collection method: clinical testing. Allele origin: germline.

Myriad Genetics, Inc.
Classification: Likely benign for Tuberous sclerosis 2. Last evaluated: 2024-08-20. Review status: criteria provided, single submitter. Criteria: Myriad Autosomal Dominant, Autosomal Recessive and X-Linked Classification Criteria (2023). Collection method: clinical testing. Allele origin: unknown.
Comment: This variant is considered likely benign. This variant has been observed at a population frequency that is significantly greater than expected given the associated disease prevalence and penetrance.

Color Diagnostics, LLC DBA Color Health
Classification: Likely benign for Tuberous sclerosis syndrome. Last evaluated: 2024-06-13. Review status: criteria provided, single submitter. Criteria: ACMG Guidelines, 2015. Collection method: clinical testing. Allele origin: germline.

Fulgent Genetics
Classification: Uncertain significance for Lymphangiomyomatosis; Isolated focal cortical dysplasia type II; Tuberous sclerosis 2. Last evaluated: 2022-03-04. Review status: criteria provided, single submitter. Criteria: ACMG Guidelines, 2015. Collection method: clinical testing. Allele origin: unknown.

Genome-Nilou Lab
Classification: Uncertain significance for Tuberous sclerosis 2. Last evaluated: 2021-11-07. Review status: criteria provided, single submitter. Criteria: ACMG Guidelines, 2015. Collection method: clinical testing. Allele origin: germline. Affected: no.

GeneDx
Classification: Uncertain significance. Last evaluated: 2019-08-22. Review status: criteria provided, single submitter. Criteria: GeneDx Variant Classification Process June 2021. Collection method: clinical testing. Allele origin: germline. Affected: yes.
Comment: In silico analysis, which includes protein predictors and evolutionary conservation, supports that this variant does not alter protein structure/function; In-silico analysis, which includes splice predictors and evolutionary conservation, is inconclusive as to whether the variant alters gene splicing. In the absence of RNA/functional studies, the actual effect of this sequence change is unknown.; This substitution does not occur within known functional domains of the tuberin protein, where many pathogenic missense variants have been identified (Northrup et al., 2018; Au et al., 2007); Has not been previously published as pathogenic or benign to our knowledge

NM_000548.5(TSC2):c.4256A>G (p.Gln1419Arg)

Gene: TSC2 (TSC complex subunit 2; plus strand). Cytogenetic location: 16p13.3.
Variant type: single nucleotide variant.
Coding change: c.4256A>G on transcript NM_000548.5 (MANE Select); coding-DNA position 4256, A replaced by G.
Protein change: p.Gln1419Arg; replaces glutamine 1419 with arginine.
Molecular consequence: missense variant.
Genome position (GRCh38, 1-based): chr16:2,084,478, A>G. VCF-style: chr16-2084478-A-G. GRCh37 (hg19) VCF-style: chr16-2134479-A-G.
Other names: c.4055A>G, p.Gln1352Arg (NM_001077183.3); c.4187A>G, p.Gln1396Arg (NM_001114382.3); c.3947A>G, p.Gln1316Arg (NM_001318827.2); c.3911A>G, p.Gln1304Arg (NM_001318829.2); c.3524A>G, p.Gln1175Arg (NM_001318831.2); c.4088A>G, p.Gln1363Arg (NM_001318832.2); c.4058A>G, p.Gln1353Arg (NM_001363528.2); c.4124A>G, p.Gln1375Arg (NM_001370404.1); and 1 more; short protein forms Q1419R, Q1304R, Q1316R, Q1352R, Q1375R, Q1376R, Q1353R, Q1363R.
Identifiers: ClinVar variation 486632 (VCV000486632.20), dbSNP rs562443546, ClinGen allele CA050713.